The following is an entry in ClinVar:

ClinVar aggregate classification (germline): Uncertain significance (1 of 4 stars; one submission).

Allele frequency attached by ClinVar (database versions not stated): gnomAD exomes below 0.00001; ExAC 0.00001; gnomAD 0.00001; TOPMed 0.00002.
gnomAD v4.1: 2 of 1,613,986 alleles (0.00012%); highest among the groups gnomAD compares: African/African-American, 0.0027%; no homozygotes.

Submission:

Biesecker Lab/Clinical Genomics Section, National Institutes of Health
Classification: Uncertain significance. Last evaluated: 2013-06-24. Review status: criteria provided, single submitter. Criteria: Ng et al. (Circ Cardiovasc Genet. 2013). Collection method: research. Allele origin: unknown. Observed: 1 variant allele. Study: ClinSeq.
Comment: The study set was not selected for affection status in relation to any cancer. Pathogenicity categories were based on literature curation. See Pubmed ID:23861362 for details.

Medical sequencing

NM_016599.5(MYOZ2):c.363C>A (p.Asp121Glu)

Gene: MYOZ2 (myozenin 2; plus strand). Cytogenetic location: 4q26.
Variant type: single nucleotide variant.
Coding change: c.363C>A on transcript NM_016599.5 (MANE Select); coding-DNA position 363, C replaced by A.
Protein change: p.Asp121Glu; replaces aspartic acid 121 with glutamic acid.
Molecular consequence: missense variant.
Genome position (GRCh38, 1-based): chr4:119,158,138, C>A. VCF-style: chr4-119158138-C-A. GRCh37 (hg19) VCF-style: chr4-120079293-C-A.
Other names: short protein forms D121E.
Identifiers: ClinVar variation 191743 (VCV000191743.1), dbSNP rs754050093, ClinGen allele CA237427.